The following is an entry in ClinVar:

NM_014727.3(KMT2B):c.1516C>T (p.Pro506Ser)

Gene: KMT2B (lysine methyltransferase 2B; plus strand). Cytogenetic location: 19q13.12.
Variant type: single nucleotide variant.
Coding change: c.1516C>T on transcript NM_014727.3 (MANE Select); coding-DNA position 1516, C replaced by T.
Protein change: p.Pro506Ser; replaces proline 506 with serine.
Molecular consequence: missense variant.
Genome position (GRCh38, 1-based): chr19:35,720,863, C>T. VCF-style: chr19-35720863-C-T. GRCh37 (hg19) VCF-style: chr19-36211765-C-T.
Other names: short protein forms P506S.
Identifiers: ClinVar variation 2662550 (VCV002662550.1), dbSNP rs1969166434, ClinGen allele CA405391709.

ClinVar aggregate classification (germline): Uncertain significance (1 of 4 stars; one submission).

Allele frequency attached by ClinVar (database versions not stated): gnomAD exomes below 0.00001.
gnomAD v4.1: 6 of 1,585,198 alleles (0.00038%); highest among the groups gnomAD compares: Non-Finnish European, 0.00043%; no homozygotes.

Submission:

GeneDx
Classification: Uncertain significance. Last evaluated: 2023-04-11. Review status: criteria provided, single submitter. Criteria: GeneDx Variant Classification Process June 2021. Collection method: clinical testing. Allele origin: germline. Affected: yes.
Comment: Not observed at significant frequency in large population cohorts (gnomAD); In silico analysis supports that this missense variant does not alter protein structure/function; Has not been previously published as pathogenic or benign to our knowledge